The following is an entry in ClinVar:

ClinVar aggregate classification (germline): Likely pathogenic (1 of 4 stars; one submission).

Submission:

GeneDx
Classification: Likely pathogenic. Last evaluated: 2016-06-09. Review status: criteria provided, single submitter. Criteria: GeneDx Variant Classification (06012015). Collection method: clinical testing. Allele origin: germline. Affected: yes.
Comment: The I695S variant in the GRIN2B gene has not been reported previously as a pathogenic variant, nor as a benign variant, to our knowledge. The I695S variant was not observed in approximately 6500 individuals of European and African American ancestry in the NHLBI Exome Sequencing Project, indicating it is not a common benign variant in these populations. The I695S variant is a non-conservative amino acid substitution, which is likely to impact secondary protein structure as these residues differ in polarity, charge, size and/or other properties. This substitution occurs at a position in the S2 domain that is conserved across species. In silico analysis predicts this variant is probably damaging to the protein structure/function. The I695S variant is a strong candidate for a pathogenic variant. However, the possibility it may be a rare benign variant cannot be excluded.

NM_000834.5(GRIN2B):c.2084T>G (p.Ile695Ser)

Gene: GRIN2B (glutamate ionotropic receptor NMDA type subunit 2B; minus strand). Cytogenetic location: 12p13.1.
Variant type: single nucleotide variant.
Coding change: c.2084T>G on transcript NM_000834.5 (MANE Select); coding-DNA position 2084, T replaced by G.
Protein change: p.Ile695Ser; replaces isoleucine 695 with serine.
Molecular consequence: missense variant.
Genome position (GRCh38, 1-based): chr12:13,571,891, A>C on the plus strand (T>G on the coding strand, the complement: GRIN2B is on the minus strand). VCF-style: chr12-13571891-A-C. GRCh37 (hg19) VCF-style: chr12-13724825-A-C.
Other names: short protein forms I695S.
Identifiers: ClinVar variation 432191 (VCV000432191.2), dbSNP rs876661219, ClinGen allele CA383999493.